The following is an entry in ClinVar:

ClinVar aggregate classification (germline): Uncertain significance. Review status: criteria provided, multiple submitters, no conflicts (2 of 4 stars). 3 submissions from 3 submitters: Uncertain significance (3). Last evaluated 2023-06-05.

Conditions:
Cardiovascular phenotype. Identifiers: MedGen CN230736.
Primary dilated cardiomyopathy (DCM). Also called: Dilated Cardiomyopathy. Identifiers: Orphanet 217604, MedGen C0007193, MeSH D002311, MONDO:0005021, HP:0001644. Inheritance: Various modes of inheritance.

Allele frequency attached by ClinVar (database versions not stated): gnomAD exomes below 0.00001; TOPMed below 0.00001; ExAC 0.00001.
gnomAD v4.1: 2 of 1,614,092 alleles (0.00012%); highest among the groups gnomAD compares: Middle Eastern, 0.016%; no homozygotes.

Submissions (3):

Labcorp Genetics (formerly Invitae), Labcorp
Classification: Uncertain significance for Primary dilated cardiomyopathy. Last evaluated: 2023-06-05. Review status: criteria provided, single submitter. Criteria: Invitae Variant Classification Sherloc (09022015). Collection method: clinical testing. Allele origin: germline.
Comment: In summary, the available evidence is currently insufficient to determine the role of this variant in disease. Therefore, it has been classified as a Variant of Uncertain Significance. Algorithms developed to predict the effect of sequence changes on RNA splicing suggest that this variant may disrupt the consensus splice site. ClinVar contains an entry for this variant (Variation ID: 1385302). This variant has not been reported in the literature in individuals affected with TXNRD2-related conditions. This variant is present in population databases (rs775856560, gnomAD 0.0009%). This sequence change affects a donor splice site in intron 6 of the TXNRD2 gene. It is expected to disrupt RNA splicing. Variants that disrupt the donor or acceptor splice site typically lead to a loss of protein function (PMID: 16199547), however the current clinical and genetic evidence is not sufficient to establish whether loss-of-function variants in TXNRD2 cause disease.

Dubai Health Genomic Medicine Center, Dubai Health
Classification: Uncertain significance. Last evaluated: 2022-12-17. Review status: criteria provided, single submitter. Criteria: ACMG Guidelines, 2015. Collection method: clinical testing. Allele origin: germline. Affected: yes.

Ambry Genetics
Classification: Uncertain significance for Cardiovascular phenotype. Last evaluated: 2021-05-25. Review status: criteria provided, single submitter. Criteria: Ambry Variant Classification Scheme 2023. Collection method: clinical testing. Allele origin: germline.
Comment: The c.528+2T>C intronic variant results from a T to C substitution two nucleotides after coding exon 6 in the TXNRD2 gene. In silico splice site analysis predicts that this alteration will weaken the native splice donor site and will result in the creation or strengthening of a novel splice donor site. Alterations that disrupt the canonical splice site are expected to cause aberrant splicing, resulting in an abnormal protein or a transcript that is subject to nonsense-mediated mRNA decay; however, +2T>C alterations are capable of generating wild-type transcripts in some genomic contexts and should be interpreted with caution (Lin JH et al. Hum Mutat. 2019 10;40:1856-1873). In addition, loss of function of TXNRD2 has not been clearly established as a mechanism of disease. Since supporting evidence is limited at this time, the clinical significance of this alteration remains unclear.

Literature cited by the submitters: PubMed 16199547 (cited by Labcorp Genetics (formerly Invitae), Labcorp).

NM_006440.5(TXNRD2):c.528+2T>C

Gene: TXNRD2 (thioredoxin reductase 2; minus strand). Cytogenetic location: 22q11.21.
Variant type: single nucleotide variant.
Coding change: c.528+2T>C on transcript NM_006440.5 (MANE Select); the canonical splice donor site of the intron after coding-DNA position 528, T replaced by C.
Molecular consequence: splice donor variant.
Genome position (GRCh38, 1-based): chr22:19,915,763, A>G on the plus strand (T>C on the coding strand, the complement: TXNRD2 is on the minus strand). VCF-style: chr22-19915763-A-G. GRCh37 (hg19) VCF-style: chr22-19903286-A-G.
Other names: c.525+2T>C (NM_001352300.2); c.240+2T>C (NM_001352302.2); c.438+2T>C (NM_001352301.2); c.528+2T>C (NM_001282512.3); c.432+2T>C (NM_001352303.2).
Identifiers: ClinVar variation 1385302 (VCV001385302.12), dbSNP rs775856560, ClinGen allele CA10104169.